The following is an entry in ClinVar:

NM_006231.4(POLE):c.1549C>A (p.Pro517Thr)

Gene: POLE (DNA polymerase epsilon, catalytic subunit; minus strand). Cytogenetic location: 12q24.33.
Variant type: single nucleotide variant.
Coding change: c.1549C>A on transcript NM_006231.4 (MANE Select); coding-DNA position 1549, C replaced by A.
Protein change: p.Pro517Thr; replaces proline 517 with threonine.
Molecular consequence: missense variant.
Genome position (GRCh38, 1-based): chr12:132,672,764, G>T on the plus strand (C>A on the coding strand, the complement: POLE is on the minus strand). VCF-style: chr12-132672764-G-T. GRCh37 (hg19) VCF-style: chr12-133249350-G-T.
Other names: c.1549C>A (NM_006231.2); short protein forms P517T.
Identifiers: ClinVar variation 1054257 (VCV001054257.10), dbSNP rs2135993817, ClinGen allele CA387357186.

ClinVar aggregate classification (germline): Uncertain significance. Review status: criteria provided, multiple submitters, no conflicts (2 of 4 stars). 2 submissions from 2 submitters: Uncertain significance (2). Last evaluated 2025-02-13.

Conditions:
Hereditary cancer-predisposing syndrome. Also called: Hereditary Cancer Syndrome; Tumor predisposition; Hereditary neoplastic syndrome; Neoplastic Syndromes, Hereditary. Identifiers: Orphanet 140162, MedGen C0027672, MeSH D009386, MONDO:0015356.

Submissions (2):

Ambry Genetics
Classification: Uncertain significance for Hereditary cancer-predisposing syndrome. Last evaluated: 2025-02-13. Review status: criteria provided, single submitter. Criteria: Ambry Variant Classification Scheme 2023. Collection method: clinical testing. Allele origin: germline.
Comment: The p.P517T variant (also known as c.1549C>A), located in coding exon 15 of the POLE gene, results from a C to A substitution at nucleotide position 1549. The proline at codon 517 is replaced by threonine, an amino acid with highly similar properties. This amino acid position is conserved. In addition, the in silico prediction for this alteration is inconclusive. Based on the available evidence, the clinical significance of this variant remains unclear.

Labcorp Genetics (formerly Invitae), Labcorp
Classification: Uncertain significance. Last evaluated: 2020-09-02. Review status: criteria provided, single submitter. Criteria: Invitae Variant Classification Sherloc (09022015). Collection method: clinical testing. Allele origin: germline.
Comment: This variant has not been reported in the literature in individuals with POLE-related conditions. This sequence change replaces proline with threonine at codon 517 of the POLE protein (p.Pro517Thr). The proline residue is highly conserved and there is a small physicochemical difference between proline and threonine. This variant is not present in population databases (ExAC no frequency). Algorithms developed to predict the effect of missense changes on protein structure and function (SIFT, PolyPhen-2, Align-GVGD) all suggest that this variant is likely to be disruptive, but these predictions have not been confirmed by published functional studies and their clinical significance is uncertain. In summary, the available evidence is currently insufficient to determine the role of this variant in disease. Therefore, it has been classified as a Variant of Uncertain Significance.